The following is an entry in ClinVar:

ClinVar aggregate classification (germline): Uncertain significance (1 of 4 stars; one submission).

Submission:

Labcorp Genetics (formerly Invitae), Labcorp
Classification: Uncertain significance. Last evaluated: 2021-12-20. Review status: criteria provided, single submitter. Criteria: Invitae Variant Classification Sherloc (09022015). Collection method: clinical testing. Allele origin: germline.
Comment: This sequence change replaces glycine, which is neutral and non-polar, with cysteine, which is neutral and slightly polar, at codon 86 of the IFT74 protein (p.Gly86Cys). This variant also falls at the last nucleotide of exon 3, which is part of the consensus splice site for this exon. This variant is not present in population databases (gnomAD no frequency). This variant has not been reported in the literature in individuals affected with IFT74-related conditions. Algorithms developed to predict the effect of missense changes on protein structure and function (SIFT, PolyPhen-2, Align-GVGD) all suggest that this variant is likely to be disruptive. Variants that disrupt the consensus splice site are a relatively common cause of aberrant splicing (PMID: 17576681, 9536098). Algorithms developed to predict the effect of sequence changes on RNA splicing suggest that this variant may disrupt the consensus splice site. In summary, the available evidence is currently insufficient to determine the role of this variant in disease. Therefore, it has been classified as a Variant of Uncertain Significance.

Literature cited by the submitters: PubMed 17576681; PubMed 9536098.

NM_025103.4(IFT74):c.256G>T (p.Gly86Cys)

Gene: IFT74 (intraflagellar transport 74; plus strand). Cytogenetic location: 9p21.2.
Variant type: single nucleotide variant.
Coding change: c.256G>T on transcript NM_025103.4 (MANE Select); coding-DNA position 256, G replaced by T.
Protein change: p.Gly86Cys; replaces glycine 86 with cysteine.
Molecular consequence: missense variant.
Genome position (GRCh38, 1-based): chr9:26,978,263, G>T. VCF-style: chr9-26978263-G-T. GRCh37 (hg19) VCF-style: chr9-26978261-G-T.
Other names: c.256G>T, p.Gly86Cys (NM_001099222.3, NM_001099223.3, NM_001099224.3 and 1 more transcripts); short protein forms G86C.
Identifiers: ClinVar variation 2050572 (VCV002050572.4), dbSNP rs2131525662, ClinGen allele CA373124143.